The following is an entry in ClinVar:

ClinVar aggregate classification (germline): Likely benign (1 of 4 stars; one submission).

Allele frequency attached by ClinVar (database versions not stated): TOPMed 0.01031; 1000 Genomes Project 30x 0.01077; 1000 Genomes Project 0.01078.
gnomAD v4.1: 1,402 of 152,344 alleles (0.92%); highest among the groups gnomAD compares: African/African-American, 3.2%; 18 homozygotes.

Submission:

GeneDx
Classification: Likely benign. Last evaluated: 2018-06-16. Review status: criteria provided, single submitter. Criteria: GeneDx Variant Classification (06012015). Collection method: clinical testing. Allele origin: germline. Affected: yes.
Comment: This variant is considered likely benign or benign based on one or more of the following criteria: it is a conservative change, it occurs at a poorly conserved position in the protein, it is predicted to be benign by multiple in silico algorithms, and/or has population frequency not consistent with disease.

NM_001035.3(RYR2):c.10495-218T>A

Gene: RYR2 (ryanodine receptor 2; plus strand). Cytogenetic location: 1q43.
Variant type: single nucleotide variant.
Coding change: c.10495-218T>A on transcript NM_001035.3 (MANE Select); 218 bases into the intron before coding-DNA position 10495, T replaced by A.
Molecular consequence: intron variant.
Genome position (GRCh38, 1-based): chr1:237,718,244, T>A. VCF-style: chr1-237718244-T-A. GRCh37 (hg19) VCF-style: chr1-237881544-T-A.
Identifiers: ClinVar variation 675442 (VCV000675442.1), dbSNP rs12080609, ClinGen allele CA39800608.